The following is an entry in ClinVar:

NM_014994.3(MAPKBP1):c.30C>T (p.Ser10=)

Gene: MAPKBP1 (mitogen-activated protein kinase binding protein 1; plus strand). Cytogenetic location: 15q15.1.
Variant type: single nucleotide variant.
Coding change: c.30C>T on transcript NM_014994.3 (MANE Select); coding-DNA position 30, C replaced by T.
Protein change: p.Ser10=; no amino-acid change (serine 10 retained).
Molecular consequence: synonymous variant. On other transcripts: non-coding transcript variant (2).
Genome position (GRCh38, 1-based): chr15:41,775,305, C>T. VCF-style: chr15-41775305-C-T. GRCh37 (hg19) VCF-style: chr15-42067503-C-T.
Other names: c.30C>T, p.Ser10= (NM_001128608.2, NM_001265611.2).
Identifiers: ClinVar variation 2645194 (VCV002645194.24), dbSNP rs764867296, ClinGen allele CA489837633.

ClinVar aggregate classification (germline): Uncertain significance (1 of 4 stars; one submission).

Submission:

CeGaT Center for Human Genetics Tuebingen
Classification: Uncertain significance. Last evaluated: 2022-08-01. Review status: criteria provided, single submitter. Criteria: CeGaT Center For Human Genetics Tuebingen Variant Classification Criteria Version 2. Collection method: clinical testing. Allele origin: germline. Affected: yes. Observed: 1 variant allele.
Comment: MAPKBP1: PM2:Supporting, BP4